The following is an entry in ClinVar:

NM_003743.5(NCOA1):c.1182C>T (p.Ile394=)

Gene: NCOA1 (nuclear receptor coactivator 1; plus strand). Cytogenetic location: 2p23.3.
Variant type: single nucleotide variant.
Coding change: c.1182C>T on transcript NM_003743.5 (MANE Select); coding-DNA position 1182, C replaced by T.
Protein change: p.Ile394=; no amino-acid change (isoleucine 394 retained).
Molecular consequence: synonymous variant.
Genome position (GRCh38, 1-based): chr2:24,706,652, C>T. VCF-style: chr2-24706652-C-T. GRCh37 (hg19) VCF-style: chr2-24929521-C-T.
Other names: c.1182C>T, p.Ile394= (NM_001362950.1, NM_001362952.1, NM_001362954.1 and 3 more transcripts).
Identifiers: ClinVar variation 4982970 (VCV004982970.1).

ClinVar aggregate classification (germline): Likely benign (1 of 4 stars; one submission).

Conditions:
NCOA1-related disorder. Also called: NCOA1-related condition.

gnomAD v4.1: 7 of 1,614,092 alleles (0.00043%); highest among the groups gnomAD compares: South Asian, 0.0033%; no homozygotes.

Submission:

PreventionGenetics, part of Exact Sciences
Classification: Likely benign for NCOA1-related condition. Last evaluated: 2026-07-22. Review status: criteria provided, single submitter. Criteria: ACMG Guidelines, 2015. Collection method: clinical testing. Allele origin: germline.
Comment: This variant is classified as likely benign based on ACMG/AMP sequence variant interpretation guidelines (Richards et al. 2015 PMID: 25741868, with internal and published modifications).